The following is an entry in ClinVar:

ClinVar aggregate classification (germline): Uncertain significance (1 of 4 stars; one submission).

Conditions:
Intellectual disability, autosomal dominant 14 (CSS2). Also called: COFFIN-SIRIS SYNDROME 2. Identifiers: Orphanet 1465, MedGen C3553247, MONDO:0013819, OMIM 614607.

Submission:

3billion
Classification: Uncertain significance for Intellectual disability, autosomal dominant 14. Last evaluated: 2025-12-24. Review status: criteria provided, single submitter. Criteria: ACMG Guidelines, 2015. Collection method: clinical testing. Allele origin: germline. Affected: yes.
Comment: The variant is not observed in the gnomAD v4.1.0 dataset. Predicted Consequence/Location: Synonymous variant In silico tools predict the variant to alter splicing and produce an abnormal transcript [SpliceAI: 0.25 (>=0.2, moderate evidence for spliceogenicity)]. The variant has been reported as of uncertain significance (PMID: 39252027). Therefore, this variant is classified as VUS according to the recommendation of ACMG/AMP guideline.

NM_006015.6(ARID1A):c.3198G>A (p.Gln1066=)

Gene: ARID1A (AT-rich interaction domain 1A; plus strand). Cytogenetic location: 1p36.11.
Variant type: single nucleotide variant.
Coding change: c.3198G>A on transcript NM_006015.6 (MANE Select); coding-DNA position 3198, G replaced by A.
Protein change: p.Gln1066=; no amino-acid change (glutamine 1066 retained).
Molecular consequence: synonymous variant.
Genome position (GRCh38, 1-based): chr1:26,767,999, G>A. VCF-style: chr1-26767999-G-A. GRCh37 (hg19) VCF-style: chr1-27094490-G-A.
Other names: c.3198G>A, p.Gln1066= (NM_139135.4).
Identifiers: ClinVar variation 4855927 (VCV004855927.1).